The following is an entry in ClinVar:

NM_002615.7(SERPINF1):c.439+7C>T

Gene: SERPINF1 (serpin family F member 1; plus strand). Cytogenetic location: 17p13.3.
Variant type: single nucleotide variant.
Coding change: c.439+7C>T on transcript NM_002615.7 (MANE Select); 7 bases into the intron after coding-DNA position 439, C replaced by T.
Molecular consequence: intron variant.
Genome position (GRCh38, 1-based): chr17:1,771,191, C>T. VCF-style: chr17-1771191-C-T. GRCh37 (hg19) VCF-style: chr17-1674485-C-T.
Other names: c.-123+7C>T (NM_001329904.2); c.439+7C>T (NM_001329903.2).
Identifiers: ClinVar variation 1702053 (VCV001702053.9), dbSNP rs766814533, ClinGen allele CA8274681.

ClinVar aggregate classification (germline): Conflicting classifications of pathogenicity. Review status: criteria provided, conflicting classifications (1 of 4 stars). 4 submissions from 4 submitters: Uncertain significance (1); Benign (1); Likely benign (1). 1 of the submissions does not count toward it. Last evaluated 2026-01-24.

Conditions:
SERPINF1-related disorder. Also called: SERPINF1-related condition.
Osteogenesis imperfecta (OI). Identifiers: Orphanet 666, MedGen C0029434, MeSH D010013, MONDO:0019019.

Allele frequency attached by ClinVar (database versions not stated): gnomAD 0.00006 and 0.00009; gnomAD exomes 0.00012; ExAC 0.00014.
gnomAD v4.1: 345 of 1,612,678 alleles (0.021%); highest among the groups gnomAD compares: South Asian, 0.075%; 2 homozygotes.

Submissions (4):

Labcorp Genetics (formerly Invitae), Labcorp
Classification: Benign. Last evaluated: 2026-01-24. Review status: criteria provided, single submitter. Criteria: Invitae Variant Classification Sherloc (09022015). Collection method: clinical testing. Allele origin: germline.

Blueprint Genetics
Classification: Likely benign. Last evaluated: 2022-11-17. Review status: criteria provided, single submitter. Criteria: ACMG Guidelines, 2015. Collection method: clinical testing. Allele origin: germline.

Genome Diagnostics Laboratory, The Hospital for Sick Children
Classification: Uncertain significance for Osteogenesis imperfecta. Last evaluated: 2018-10-01. Review status: criteria provided, single submitter. Criteria: ACMG Guidelines, 2015. Collection method: clinical testing. Allele origin: germline.

PreventionGenetics, part of Exact Sciences
Classification: Likely benign for SERPINF1-related condition. Last evaluated: 2021-10-28. Review status: no assertion criteria provided. Collection method: clinical testing. Allele origin: germline. Not counted in ClinVar's aggregate classification.
Comment: This variant is classified as likely benign based on ACMG/AMP sequence variant interpretation guidelines (Richards et al. 2015 PMID: 25741868, with internal and published modifications).